The following is an entry in ClinVar:

ClinVar aggregate classification (germline): Uncertain significance (1 of 4 stars; one submission).

Submission:

CeGaT Center for Human Genetics Tuebingen
Classification: Uncertain significance. Last evaluated: 2023-05-01. Review status: criteria provided, single submitter. Criteria: CeGaT Center For Human Genetics Tuebingen Variant Classification Criteria Version 2. Collection method: clinical testing. Allele origin: germline. Affected: yes. Observed: 1 variant allele.
Comment: CDKL5: PM2:Supporting, BP4

NM_001323289.2(CDKL5):c.2377-1178T>C

Gene: CDKL5 (cyclin dependent kinase like 5; plus strand). Cytogenetic location: Xp22.13.
Variant type: single nucleotide variant.
Coding change: c.2377-1178T>C on transcript NM_001323289.2 (MANE Select); 1178 bases into the intron before coding-DNA position 2377, T replaced by C.
Molecular consequence: intron variant.
Genome position (GRCh38, 1-based): chrX:18,623,950, T>C. VCF-style: chrX-18623950-T-C. GRCh37 (hg19) VCF-style: chrX-18642070-T-C.
Other names: c.2377-1178T>C (NM_003159.3, NM_001037343.2).
Identifiers: ClinVar variation 2660103 (VCV002660103.24), dbSNP rs2518893882, ClinGen allele CA2695200160.